The following is an entry in ClinVar:

NM_001023570.4(IQCB1):c.1240C>T (p.Leu414Phe)

Gene: IQCB1 (IQ motif containing B1; minus strand). Cytogenetic location: 3q13.33.
Variant type: single nucleotide variant.
Coding change: c.1240C>T on transcript NM_001023570.4 (MANE Select); coding-DNA position 1240, C replaced by T.
Protein change: p.Leu414Phe; replaces leucine 414 with phenylalanine.
Molecular consequence: missense variant. On other transcripts: non-coding transcript variant (1).
Genome position (GRCh38, 1-based): chr3:121,788,322, G>A on the plus strand (C>T on the coding strand, the complement: IQCB1 is on the minus strand). VCF-style: chr3-121788322-G-A. GRCh37 (hg19) VCF-style: chr3-121507169-G-A.
Other names: c.841C>T, p.Leu281Phe (NM_001023571.4); c.1240C>T, p.Leu414Phe (NM_001319107.2); short protein forms L281F, L414F.
Identifiers: ClinVar variation 1470138 (VCV001470138.8), dbSNP rs1948818458, ClinGen allele CA354115489.

ClinVar aggregate classification (germline): Uncertain significance (1 of 4 stars; one submission).

Conditions:
Nephronophthisis. Also called: Juvenile Nephronophthisis. Identifiers: Orphanet 655, MedGen C0687120, MONDO:0019005, HP:0000090.

gnomAD v4.1: 2 of 1,613,918 alleles (0.00012%); highest among the groups gnomAD compares: South Asian, 0.0011%; no homozygotes.

Submission:

Labcorp Genetics (formerly Invitae), Labcorp
Classification: Uncertain significance for Nephronophthisis. Last evaluated: 2022-06-27. Review status: criteria provided, single submitter. Criteria: Invitae Variant Classification Sherloc (09022015). Collection method: clinical testing. Allele origin: germline.
Comment: In summary, the available evidence is currently insufficient to determine the role of this variant in disease. Therefore, it has been classified as a Variant of Uncertain Significance. Algorithms developed to predict the effect of missense changes on protein structure and function are either unavailable or do not agree on the potential impact of this missense change (SIFT: "Deleterious"; PolyPhen-2: "Probably Damaging"; Align-GVGD: "Class C0"). This variant has not been reported in the literature in individuals affected with IQCB1-related conditions. This variant is not present in population databases (gnomAD no frequency). This sequence change replaces leucine, which is neutral and non-polar, with phenylalanine, which is neutral and non-polar, at codon 414 of the IQCB1 protein (p.Leu414Phe).